The following is an entry in ClinVar:

NM_006648.4(WNK2):c.6436C>A (p.Leu2146Ile)

Gene: WNK2 (WNK lysine deficient protein kinase 2; plus strand). Cytogenetic location: 9q22.31.
Variant type: single nucleotide variant.
Coding change: c.6436C>A on transcript NM_006648.4 (MANE Select); coding-DNA position 6436, C replaced by A.
Protein change: p.Leu2146Ile; replaces leucine 2146 with isoleucine.
Molecular consequence: missense variant.
Genome position (GRCh38, 1-based): chr9:93,308,504, C>A. VCF-style: chr9-93308504-C-A. GRCh37 (hg19) VCF-style: chr9-96070786-C-A.
Other names: c.6547C>A, p.Leu2183Ile (NM_001282394.3); short protein forms L2146I, L2183I.
Identifiers: ClinVar variation 4201849 (VCV004201849.1).

ClinVar aggregate classification (germline): Uncertain significance (1 of 4 stars; one submission).

gnomAD v4.1: 1 of 1,607,380 alleles (0.000062%); highest among the groups gnomAD compares: Non-Finnish European, 0.000085%; no homozygotes.

Submission:

Ambry Genetics
Classification: Uncertain significance. Last evaluated: 2025-08-31. Review status: criteria provided, single submitter. Criteria: Ambry Variant Classification Scheme 2023. Collection method: clinical testing. Allele origin: germline.
Comment: The p.L2146I variant (also known as c.6436C>A), located in coding exon 27 of the WNK2 gene, results from a C to A substitution at nucleotide position 6436. The leucine at codon 2146 is replaced by isoleucine, an amino acid with highly similar properties. This amino acid position is conserved. In addition, the in silico prediction for this alteration is inconclusive. Based on the available evidence, the clinical significance of this variant remains unclear.